The following is an entry in ClinVar:

NM_000410.4(HFE):c.340+4T>C

Gene: HFE (homeostatic iron regulator; plus strand). Cytogenetic location: 6p22.2.
Variant type: single nucleotide variant.
Coding change: c.340+4T>C on transcript NM_000410.4 (MANE Select); 4 bases into the intron after coding-DNA position 340, T replaced by C.
Molecular consequence: intron variant.
Genome position (GRCh38, 1-based): chr6:26,091,108, T>C. VCF-style: chr6-26091108-T-C. GRCh37 (hg19) VCF-style: chr6-26091336-T-C.
Other names: p.?; c.340+4T>C (NM_001406751.1, NM_001384164.1, NM_001300749.3 and 3 more transcripts); c.271+4T>C (NM_139009.3); c.77-206T>C (NM_139007.3, NM_001406752.1, NM_139008.3); c.77-1577T>C (NM_139010.3); c.77-2011T>C (NM_139011.3).
Identifiers: ClinVar variation 129225 (VCV000129225.78), dbSNP rs2071303, ClinGen allele CA153080.

ClinVar aggregate classification (germline): Benign/Likely benign. Review status: criteria provided, multiple submitters, no conflicts (2 of 4 stars). 14 submissions from 14 submitters: Benign (9); Likely benign (2). 3 of the submissions do not count toward it. Last evaluated 2026-02-04.

Conditions:
Hemochromatosis type 1 (HFE1). Also called: HFE-Related Hemochromatosis; HFE-Associated Hereditary Hemochromatosis. Identifiers: Orphanet 465508, MedGen C3469186, MONDO:0021001, OMIM 235200. Disease mechanism: loss of function.
Hereditary hemochromatosis (HFE). Identifiers: MedGen C0392514, MONDO:0006507. Disease mechanism: loss of function.

Allele frequency attached by ClinVar (database versions not stated): ESP Exome Variant Server 0.34584; gnomAD exomes 0.35645 and 0.37541; gnomAD 0.35994 and 0.36484; ExAC 0.36860; TOPMed 0.37348; 1000 Genomes Project 30x 0.42536; 1000 Genomes Project 0.42672.
gnomAD v4.1: 576,515 of 1,613,544 alleles (36%); highest among the groups gnomAD compares: East Asian, 71%; 106,933 homozygotes.

Submissions (14):

Labcorp Genetics (formerly Invitae), Labcorp
Classification: Benign for Hereditary hemochromatosis. Last evaluated: 2026-02-04. Review status: criteria provided, single submitter. Criteria: Invitae Variant Classification Sherloc (09022015). Collection method: clinical testing. Allele origin: germline.

Blueprint Genetics
Classification: Benign. Last evaluated: 2024-11-27. Review status: criteria provided, single submitter. Criteria: ACMG Guidelines, 2015. Collection method: clinical testing. Allele origin: germline.

Mayo Clinic Laboratories, Mayo Clinic
Classification: Benign. Last evaluated: 2022-02-22. Review status: criteria provided, single submitter. Criteria: ACMG Guidelines, 2015. Collection method: clinical testing. Allele origin: germline. Observed: 299 variant alleles.

Genome-Nilou Lab
Classification: Benign for Hemochromatosis type 1. Last evaluated: 2021-08-10. Review status: criteria provided, single submitter. Criteria: ACMG Guidelines, 2015. Collection method: clinical testing. Allele origin: germline. Affected: no.

GeneDx
Classification: Benign. Last evaluated: 2018-09-06. Review status: criteria provided, single submitter. Criteria: GeneDx Variant Classification Process June 2021. Collection method: clinical testing. Allele origin: germline. Affected: yes.
Comment: This variant is associated with the following publications: (PMID: 25262004, 10401000, 26799139, 26501199)

Illumina Laboratory Services, Illumina
Classification: Benign for Hemochromatosis type 1. Last evaluated: 2018-03-06. Review status: criteria provided, single submitter. Criteria: ICSL Variant Classification Criteria 13 December 2019. Collection method: clinical testing. Allele origin: germline.
Comment: This variant was observed in the ICSL laboratory as part of a predisposition screen in an ostensibly healthy population. It had not been previously curated by ICSL or reported in the Human Gene Mutation Database (HGMD: prior to June 1st, 2018), and was therefore a candidate for classification through an automated scoring system. Utilizing variant allele frequency, disease prevalence and penetrance estimates, and inheritance mode, an automated score was calculated to assess if this variant is too frequent to cause the disease. Based on the score and internal cut-off values, a variant classified as benign is not then subjected to further curation. The score for this variant resulted in a classification of benign for this disease.

Laboratory for Molecular Medicine, Mass General Brigham Personalized Medicine
Classification: Benign. Last evaluated: 2016-12-01. Review status: criteria provided, single submitter. Criteria: LMM Criteria. Collection method: clinical testing. Allele origin: germline. Observed: 41 variant alleles.
Comment: c.340+4T>C in intron 2 of HFE: This variant is not expected to have clinical sig nificance because it has been identified in 37.4% (105403/282154) of total chrom osomes by the Genome Aggregation Database (gnomAD. org/; dbSNP rs2071303).

CeGaT Center for Human Genetics Tuebingen
Classification: Likely benign. Last evaluated: 2016-10-01. Review status: criteria provided, single submitter. Criteria: CeGaT Center For Human Genetics Tuebingen Variant Classification Criteria Version 2. Collection method: clinical testing. Allele origin: germline. Affected: yes. Observed: 1 variant allele.

Eurofins Ntd Llc (ga)
Classification: Benign. Last evaluated: 2014-10-14. Review status: criteria provided, single submitter. Criteria: EGL Classification Definitions 2015. Collection method: clinical testing. Allele origin: germline. Observed: 34 variant alleles, 21 heterozygotes, 13 homozygotes.

Breakthrough Genomics
Classification: Likely benign. Review status: criteria provided, single submitter. Criteria: ACMG Guidelines, 2015. Collection method: not provided. Allele origin: germline. Inheritance: Autosomal recessive inheritance. Affected: yes.

PreventionGenetics, part of Exact Sciences
Classification: Benign. Review status: criteria provided, single submitter. Criteria: ACMG Guidelines, 2015. Collection method: clinical testing. Allele origin: germline.

Diagnostic Laboratory, Department of Genetics, University Medical Center Groningen
Classification: Benign. Review status: no assertion criteria provided. Collection method: clinical testing. Allele origin: germline. Affected: yes. Study: VKGL Data-share Consensus. Not counted in ClinVar's aggregate classification.

Genetic Services Laboratory, University of Chicago
Classification: Likely benign for AllHighlyPenetrant. Review status: no assertion criteria provided. Collection method: clinical testing. Allele origin: germline. Inheritance: Autosomal recessive inheritance. Not counted in ClinVar's aggregate classification.
Comment: Likely benign based on allele frequency in 1000 Genomes Project or ESP global frequency and its presence in a patient with a rare or unrelated disease phenotype. NOT Sanger confirmed.

Genome Diagnostics Laboratory, University Medical Center Utrecht
Classification: Benign. Review status: no assertion criteria provided. Collection method: clinical testing. Allele origin: germline. Affected: yes. Study: VKGL Data-share Consensus. Not counted in ClinVar's aggregate classification.

Literature cited by the submitters: PubMed 15775762 (cited by Laboratory for Molecular Medicine, Mass General Brigham Personalized Medicine); PubMed 26799139 (cited by Laboratory for Molecular Medicine, Mass General Brigham Personalized Medicine).